The following is an entry in ClinVar:

NM_003737.4(DCHS1):c.887G>A (p.Arg296Gln)

Gene: DCHS1 (dachsous cadherin-related 1; minus strand). Cytogenetic location: 11p15.4.
Variant type: single nucleotide variant.
Coding change: c.887G>A on transcript NM_003737.4 (MANE Select); coding-DNA position 887, G replaced by A.
Protein change: p.Arg296Gln; replaces arginine 296 with glutamine.
Molecular consequence: missense variant.
Genome position (GRCh38, 1-based): chr11:6,640,727, C>T on the plus strand (G>A on the coding strand, the complement: DCHS1 is on the minus strand). VCF-style: chr11-6640727-C-T. GRCh37 (hg19) VCF-style: chr11-6661958-C-T.
Other names: short protein forms R296Q.
Identifiers: ClinVar variation 4692805 (VCV004692805.1).

ClinVar aggregate classification (germline): Uncertain significance (1 of 4 stars; one submission).

gnomAD v4.1: 9 of 1,613,838 alleles (0.00056%); highest among the groups gnomAD compares: African/African-American, 0.0013%; no homozygotes.

Submission:

Labcorp Genetics (formerly Invitae), Labcorp
Classification: Uncertain significance. Last evaluated: 2025-04-30. Review status: criteria provided, single submitter. Criteria: Invitae Variant Classification Sherloc (09022015). Collection method: clinical testing. Allele origin: germline.
Comment: This sequence change replaces arginine, which is basic and polar, with glutamine, which is neutral and polar, at codon 296 of the DCHS1 protein (p.Arg296Gln). This variant is present in population databases (rs751537875, gnomAD 0.002%). This variant has not been reported in the literature in individuals affected with DCHS1-related conditions. Invitae Evidence Modeling of protein sequence and biophysical properties (such as structural, functional, and spatial information, amino acid conservation, physicochemical variation, residue mobility, and thermodynamic stability) indicates that this missense variant is not expected to disrupt DCHS1 protein function with a negative predictive value of 95%. In summary, the available evidence is currently insufficient to determine the role of this variant in disease. Therefore, it has been classified as a Variant of Uncertain Significance.